The following is an entry in ClinVar:

NM_001903.5(CTNNA1):c.311T>G (p.Met104Arg)

Gene: CTNNA1 (catenin alpha 1; plus strand). Cytogenetic location: 5q31.2.
Variant type: single nucleotide variant.
Coding change: c.311T>G on transcript NM_001903.5 (MANE Select); coding-DNA position 311, T replaced by G.
Protein change: p.Met104Arg; replaces methionine 104 with arginine.
Molecular consequence: missense variant. On other transcripts: initiator codon variant (1), intron variant (1).
Genome position (GRCh38, 1-based): chr5:138,810,047, T>G. VCF-style: chr5-138810047-T-G. GRCh37 (hg19) VCF-style: chr5-138145736-T-G.
Other names: c.311T>G, p.Met104Arg (NM_001290307.3, NM_001323982.2, NM_001323983.1 and 3 more transcripts); c.2T>G, p.Met1Arg (NM_001290309.3); c.-5-54T>G (NM_001290310.3); short protein forms M104R, M1R.
Identifiers: ClinVar variation 2814006 (VCV002814006.3), dbSNP rs1193479198, ClinGen allele CA361122798.

ClinVar aggregate classification (germline): Uncertain significance (1 of 4 stars; one submission).

Submission:

Labcorp Genetics (formerly Invitae), Labcorp
Classification: Uncertain significance. Last evaluated: 2022-11-13. Review status: criteria provided, single submitter. Criteria: Invitae Variant Classification Sherloc (09022015). Collection method: clinical testing. Allele origin: germline.
Comment: This sequence change replaces methionine, which is neutral and non-polar, with arginine, which is basic and polar, at codon 104 of the CTNNA1 protein (p.Met104Arg). This variant is not present in population databases (gnomAD no frequency). In summary, the available evidence is currently insufficient to determine the role of this variant in disease. Therefore, it has been classified as a Variant of Uncertain Significance. Advanced modeling of protein sequence and biophysical properties (such as structural, functional, and spatial information, amino acid conservation, physicochemical variation, residue mobility, and thermodynamic stability) performed at Invitae indicates that this missense variant is not expected to disrupt CTNNA1 protein function. This variant has not been reported in the literature in individuals affected with CTNNA1-related conditions.